The following is an entry in ClinVar:

NM_014669.5(NUP93):c.2069A>G (p.Tyr690Cys)

Gene: NUP93 (nucleoporin 93; plus strand). Cytogenetic location: 16q13.
Variant type: single nucleotide variant.
Coding change: c.2069A>G on transcript NM_014669.5 (MANE Select); coding-DNA position 2069, A replaced by G.
Protein change: p.Tyr690Cys; replaces tyrosine 690 with cysteine.
Molecular consequence: missense variant.
Genome position (GRCh38, 1-based): chr16:56,839,002, A>G. VCF-style: chr16-56839002-A-G. GRCh37 (hg19) VCF-style: chr16-56872914-A-G.
Other names: c.1700A>G, p.Tyr567Cys (NM_001242795.2, NM_001242796.2); short protein forms Y690C, Y567C.
Identifiers: ClinVar variation 1484016 (VCV001484016.6), dbSNP rs777069106, ClinGen allele CA8068651.

ClinVar aggregate classification (germline): Uncertain significance (1 of 4 stars; one submission).

Allele frequency attached by ClinVar (database versions not stated): TOPMed below 0.00001; gnomAD exomes 0.00001; ExAC 0.00002.
gnomAD v4.1: 12 of 1,614,070 alleles (0.00074%); highest among the groups gnomAD compares: South Asian, 0.0033%; no homozygotes.

Submission:

Labcorp Genetics (formerly Invitae), Labcorp
Classification: Uncertain significance. Last evaluated: 2021-07-29. Review status: criteria provided, single submitter. Criteria: Invitae Variant Classification Sherloc (09022015). Collection method: clinical testing. Allele origin: germline.
Comment: Algorithms developed to predict the effect of missense changes on protein structure and function (SIFT, PolyPhen-2, Align-GVGD) all suggest that this variant is likely to be tolerated. In summary, the available evidence is currently insufficient to determine the role of this variant in disease. Therefore, it has been classified as a Variant of Uncertain Significance. This variant has not been reported in the literature in individuals affected with NUP93-related conditions. This variant is present in population databases (rs777069106, ExAC 0.003%). This sequence change replaces tyrosine with cysteine at codon 690 of the NUP93 protein (p.Tyr690Cys). The tyrosine residue is moderately conserved and there is a large physicochemical difference between tyrosine and cysteine.